The following is an entry in ClinVar:

NM_020911.2(PLXNA4):c.2094C>T (p.Pro698=)

Gene: PLXNA4 (plexin A4; minus strand). Cytogenetic location: 7q32.3.
Variant type: single nucleotide variant.
Coding change: c.2094C>T on transcript NM_020911.2 (MANE Select); coding-DNA position 2094, C replaced by T.
Protein change: p.Pro698=; no amino-acid change (proline 698 retained).
Molecular consequence: synonymous variant.
Genome position (GRCh38, 1-based): chr7:132,223,530, G>A on the plus strand (C>T on the coding strand, the complement: PLXNA4 is on the minus strand). VCF-style: chr7-132223530-G-A. GRCh37 (hg19) VCF-style: chr7-131908289-G-A.
Other names: c.2094C>T, p.Pro698= (NM_001393897.1).
Identifiers: ClinVar variation 3032529 (VCV003032529.2), dbSNP rs376773119, ClinGen allele CA4489901.
Genomic context (GRCh38, chr7:132,223,530, plus strand): 5'-TCTGTGTCCCATGCTCACAACAAGAGACACTCACCACTCTGGCTGCCAGGGACCTACCTC[G>A]GGCAGCTTCACTCGGCCTTCCTGGAAGGAGCAGGTCTTGGGGTCATGGGTGCAGACATGC-3'
Protein context (NP_065962.1, residues 688-708): CSFQEGRVKL[Pro698=]EDCPQLLRVD

ClinVar aggregate classification (germline): Likely benign (0 of 4 stars; one submission).

Conditions:
PLXNA4-related disorder. Also called: PLXNA4-related condition.

Allele frequency attached by ClinVar (database versions not stated): gnomAD 0.00004; TOPMed 0.00004; ExAC 0.00005; ESP Exome Variant Server 0.00008.
gnomAD v4.1: 80 of 1,611,722 alleles (0.005%); highest among the groups gnomAD compares: South Asian, 0.025%; no homozygotes.

Submission:

PreventionGenetics, part of Exact Sciences
Classification: Likely benign for PLXNA4-related condition. Last evaluated: 2023-11-30. Review status: no assertion criteria provided. Collection method: clinical testing. Allele origin: germline.
Comment: This variant is classified as likely benign based on ACMG/AMP sequence variant interpretation guidelines (Richards et al. 2015 PMID: 25741868, with internal and published modifications).